The following is an entry in ClinVar:

ClinVar aggregate classification (germline): Pathogenic/Likely pathogenic. Review status: criteria provided, multiple submitters, no conflicts (2 of 4 stars). 2 submissions from 2 submitters: Pathogenic (1); Likely pathogenic (1). Last evaluated 2025-04-28.

Conditions:
OPA1-related disorder. Also called: OPA1-related disorders; OPA1-related condition.

Submissions (2):

Labcorp Genetics (formerly Invitae), Labcorp
Classification: Pathogenic. Last evaluated: 2025-04-28. Review status: criteria provided, single submitter. Criteria: Invitae Variant Classification Sherloc (09022015). Collection method: clinical testing. Allele origin: germline.
Comment: This sequence change affects codon 832 of the OPA1 mRNA. It is a 'silent' change, meaning that it does not change the encoded amino acid sequence of the OPA1 protein. This variant also falls at the last nucleotide of exon 24, which is part of the consensus splice site for this exon. This variant is not present in population databases (gnomAD no frequency). This variant has been observed in individuals with autosomal dominant optic atrophy (PMID: 31106028, 31500643, 35883160; internal data). This variant is also known as NM_130837.2:c.2661G>A (p.Leu887=). ClinVar contains an entry for this variant (Variation ID: 1345404). Variants that disrupt the consensus splice site are a relatively common cause of aberrant splicing (PMID: 17576681, 9536098). Algorithms developed to predict the effect of sequence changes on RNA splicing suggest that this variant may disrupt the consensus splice site. For these reasons, this variant has been classified as Pathogenic.

Blueprint Genetics
Classification: Likely pathogenic for OPA1-related disorders. Last evaluated: 2018-08-07. Review status: criteria provided, single submitter. Criteria: ACMG Guidelines, 2015. Collection method: clinical testing. Allele origin: germline. Affected: yes. Observed: 3 variant alleles.

Literature cited by the submitters: PubMed 31106028 (cited by Labcorp Genetics (formerly Invitae), Labcorp); PubMed 31500643 (cited by Labcorp Genetics (formerly Invitae), Labcorp); PubMed 35883160 (cited by Labcorp Genetics (formerly Invitae), Labcorp); PubMed 17576681 (cited by Labcorp Genetics (formerly Invitae), Labcorp); PubMed 9536098 (cited by Labcorp Genetics (formerly Invitae), Labcorp).

NM_130837.3(OPA1):c.2661G>A (p.Leu887=)

Gene: OPA1 (OPA1 mitochondrial dynamin like GTPase; plus strand). Cytogenetic location: 3q29.
Variant type: single nucleotide variant.
Coding change: c.2661G>A on transcript NM_130837.3 (MANE Select); coding-DNA position 2661, G replaced by A.
Protein change: p.Leu887=; no amino-acid change (leucine 887 retained).
Molecular consequence: synonymous variant.
Genome position (GRCh38, 1-based): chr3:193,662,962, G>A. VCF-style: chr3-193662962-G-A. GRCh37 (hg19) VCF-style: chr3-193380751-G-A.
Other names: c.2127G>A, p.Leu709= (NM_001354663.2); c.2124G>A, p.Leu708= (NM_001354664.2); c.2496G>A, p.Leu832= (NM_015560.3); c.2388G>A, p.Leu796= (NM_130831.3); c.2442G>A, p.Leu814= (NM_130832.3); c.2499G>A, p.Leu833= (NM_130833.3); c.2550G>A, p.Leu850= (NM_130834.3); c.2553G>A, p.Leu851= (NM_130835.3); and 1 more.
Identifiers: ClinVar variation 1345404 (VCV001345404.9), dbSNP rs2109232184, ClinGen allele CA437441681.